The following is an entry in ClinVar:

NM_004746.4(DLGAP1):c.2613G>A (p.Ala871=)

Gene: DLGAP1 (DLG associated protein 1; minus strand). Cytogenetic location: 18p11.31.
Variant type: single nucleotide variant.
Coding change: c.2613G>A on transcript NM_004746.4 (MANE Select); coding-DNA position 2613, G replaced by A.
Protein change: p.Ala871=; no amino-acid change (alanine 871 retained).
Molecular consequence: synonymous variant.
Genome position (GRCh38, 1-based): chr18:3,502,604, C>T on the plus strand (G>A on the coding strand, the complement: DLGAP1 is on the minus strand). VCF-style: chr18-3502604-C-T. GRCh37 (hg19) VCF-style: chr18-3502602-C-T.
Other names: c.1707G>A, p.Ala569= (NM_001003809.3, NM_001242765.2); c.2613G>A, p.Ala871= (NM_001242761.2, NM_001398527.1); c.1665G>A, p.Ala555= (NM_001242762.2); c.1779G>A, p.Ala593= (NM_001242763.2, NM_001398539.1); c.1731G>A, p.Ala577= (NM_001242764.2, NM_001398545.1); c.1737G>A, p.Ala579= (NM_001242766.2, NM_001398534.1, NM_001398543.1 and 1 more transcripts); c.1761G>A, p.Ala587= (NM_001308390.2, NM_001398541.1); c.2643G>A, p.Ala881= (NM_001398525.1, NM_001398526.1, NM_001398528.1); and 8 more.
Identifiers: ClinVar variation 3043709 (VCV003043709.2), dbSNP rs760284072, ClinGen allele CA8876081.

ClinVar aggregate classification (germline): Likely benign (0 of 4 stars; one submission).

Conditions:
DLGAP1-related disorder. Also called: DLGAP1-related condition.

Allele frequency attached by ClinVar (database versions not stated): gnomAD exomes 0.00001; ExAC 0.00002; gnomAD 0.00005; TOPMed 0.00008.
gnomAD v4.1: 26 of 1,613,966 alleles (0.0016%); highest among the groups gnomAD compares: African/African-American, 0.02%; no homozygotes.

Submission:

PreventionGenetics, part of Exact Sciences
Classification: Likely benign for DLGAP1-related condition. Last evaluated: 2019-05-31. Review status: no assertion criteria provided. Collection method: clinical testing. Allele origin: germline.
Comment: This variant is classified as likely benign based on ACMG/AMP sequence variant interpretation guidelines (Richards et al. 2015 PMID: 25741868, with internal and published modifications).